The following is an entry in ClinVar:

GRCh38/hg38 20p12.1(chr20:14947922-15202408)x1

Genes: MACROD2 (mono-ADP ribosylhydrolase 2; plus strand), LOC130065438 (ATAC-STARR-seq lymphoblastoid active region 17555; plus strand), LOC132090562 (Neanderthal introgressed variant-containing enhancer experimental_59609; plus strand), LOC132090563 (Neanderthal introgressed variant-containing enhancer experimental_59643; plus strand), LOC132090564 (Neanderthal introgressed variant-containing enhancer experimental_59649; plus strand) and 1 more. Cytogenetic location: 20p12.1.
Variant type: copy number loss.
Change: copy number 1 (one copy instead of two) of chr20:14,947,922-15,202,408 (254.5 kb, GRCh38 coordinates, 1-based), cytogenetic band 20p12.1.
Identifiers: ClinVar variation 148693 (VCV000148693.2).

ClinVar aggregate classification (germline): conflicting data from submitters (0 of 4 stars; one submission).

Submission:

ISCA site 1
Classification: conflicting data from submitters. Last evaluated: 2012-10-24. Review status: no assertion criteria provided. Collection method: clinical testing. Allele origin: paternal, unknown. Affected: yes. Observed: 4 variant alleles. Clinical features observed: Generalized hypotonia (HP:0001290), Short stature (HP:0004322), Global developmental delay (HP:0001263), Delayed speech and language development (HP:0000750).
Comment: Uncertain significance(2), Likely benign (2)

Copy number variation identified through the course of routine clinical cytogenomic testing in postnatal populations, with clinical assertions as classified by the original submitter. For data from the original published study, Kaminsky, et al. 2011 (PubMed 21844811), please see nstd101.